The following is an entry in ClinVar:

NM_001035.3(RYR2):c.10723C>G (p.Leu3575Val)

Gene: RYR2 (ryanodine receptor 2; plus strand). Cytogenetic location: 1q43.
Variant type: single nucleotide variant.
Coding change: c.10723C>G on transcript NM_001035.3 (MANE Select); coding-DNA position 10723, C replaced by G.
Protein change: p.Leu3575Val; replaces leucine 3575 with valine.
Molecular consequence: missense variant.
Genome position (GRCh38, 1-based): chr1:237,726,306, C>G. VCF-style: chr1-237726306-C-G. GRCh37 (hg19) VCF-style: chr1-237889606-C-G.
Other names: short protein forms L3575V.
Identifiers: ClinVar variation 3766231 (VCV003766231.2).

ClinVar aggregate classification (germline): Uncertain significance. Review status: criteria provided, multiple submitters, no conflicts (2 of 4 stars). 2 submissions from 2 submitters: Uncertain significance (2). Last evaluated 2025-09-05.

Conditions:
Cardiomyopathy (CMYO). Also called: Cardiomyopathies. Identifiers: Orphanet 167848, MedGen C0878544, MONDO:0004994, HP:0001638. Inheritance: Various modes of inheritance.

gnomAD v4.1: 4 of 1,582,802 alleles (0.00025%); highest among the groups gnomAD compares: Non-Finnish European, 0.000086%; no homozygotes.

Submissions (2):

Color Diagnostics, LLC DBA Color Health
Classification: Uncertain significance for Cardiomyopathy. Last evaluated: 2025-09-05. Review status: criteria provided, single submitter. Criteria: ACMG Guidelines, 2015. Collection method: clinical testing. Allele origin: germline.
Comment: This missense variant replaces leucine with valine at codon 3575 of the RYR2 protein. Computational prediction suggests that this variant may not impact protein structure and function. To our knowledge, functional studies have not been reported for this variant. This variant has not been reported in individuals affected with RYR2-related disorders in the literature. This variant has been identified in 2/225346 chromosomes in the general population by the Genome Aggregation Database (gnomAD). The available evidence is insufficient to determine the role of this variant in disease conclusively. Therefore, this variant is classified as a Variant of Uncertain Significance.

GeneDx
Classification: Uncertain significance. Last evaluated: 2024-08-26. Review status: criteria provided, single submitter. Criteria: GeneDx Variant Classification Process June 2021. Collection method: clinical testing. Allele origin: germline. Affected: yes.
Comment: Not observed at significant frequency in large population cohorts (gnomAD); In silico analysis supports that this missense variant has a deleterious effect on protein structure/function; Has not been previously published as pathogenic or benign to our knowledge; Not located in one of the three hot-spot regions of the RYR2 gene, where the majority of pathogenic missense variants occur (PMID: 19926015); This variant is associated with the following publications: (PMID: 19926015)